The following is an entry in ClinVar:

NM_144573.4(NEXN):c.1889A>G (p.Tyr630Cys)

Gene: NEXN (nexilin F-actin binding protein; plus strand). Cytogenetic location: 1p31.1.
Variant type: single nucleotide variant.
Coding change: c.1889A>G on transcript NM_144573.4 (MANE Select); coding-DNA position 1889, A replaced by G.
Protein change: p.Tyr630Cys; replaces tyrosine 630 with cysteine.
Molecular consequence: missense variant.
Genome position (GRCh38, 1-based): chr1:77,942,690, A>G. VCF-style: chr1-77942690-A-G. GRCh37 (hg19) VCF-style: chr1-78408375-A-G.
Other names: c.1697A>G, p.Tyr566Cys (NM_001172309.2); short protein forms Y630C, Y566C.
Identifiers: ClinVar variation 1495853 (VCV001495853.8), dbSNP rs769713624, ClinGen allele CA918999.

ClinVar aggregate classification (germline): Uncertain significance. Review status: criteria provided, multiple submitters, no conflicts (2 of 4 stars). 2 submissions from 2 submitters: Uncertain significance (2). Last evaluated 2022-08-07.

Conditions:
Cardiovascular phenotype. Identifiers: MedGen CN230736.
Dilated cardiomyopathy 1CC (CMD1CC). Identifiers: Orphanet 154, MedGen C2751084, MONDO:0013147, OMIM 613122.
Hypertrophic cardiomyopathy 20. Identifiers: MedGen C3151267, MONDO:0013477, OMIM 613876.

Allele frequency attached by ClinVar (database versions not stated): gnomAD 0.00001; gnomAD exomes 0.00001 and 0.00002; TOPMed 0.00001; ExAC 0.00002.
gnomAD v4.1: 27 of 1,613,694 alleles (0.0017%); highest among the groups gnomAD compares: Non-Finnish European, 0.0023%; no homozygotes.

Submissions (2):

Ambry Genetics
Classification: Uncertain significance for Cardiovascular phenotype. Last evaluated: 2022-08-07. Review status: criteria provided, single submitter. Criteria: Ambry Variant Classification Scheme 2023. Collection method: clinical testing. Allele origin: germline.
Comment: The p.Y630C variant (also known as c.1889A>G), located in coding exon 12 of the NEXN gene, results from an A to G substitution at nucleotide position 1889. The tyrosine at codon 630 is replaced by cysteine, an amino acid with highly dissimilar properties. This amino acid position is highly conserved in available vertebrate species. In addition, this alteration is predicted to be deleterious by in silico analysis. Since supporting evidence is limited at this time, the clinical significance of this alteration remains unclear.

Labcorp Genetics (formerly Invitae), Labcorp
Classification: Uncertain significance for Dilated cardiomyopathy 1CC; Hypertrophic cardiomyopathy 20. Last evaluated: 2021-08-03. Review status: criteria provided, single submitter. Criteria: Invitae Variant Classification Sherloc (09022015). Collection method: clinical testing. Allele origin: germline.
Comment: Algorithms developed to predict the effect of missense changes on protein structure and function are either unavailable or do not agree on the potential impact of this missense change (SIFT: "Deleterious"; PolyPhen-2: "Probably Damaging"; Align-GVGD: "Class C0"). This variant has not been reported in the literature in individuals affected with NEXN-related conditions. This variant is present in population databases (rs769713624, ExAC 0.003%). This sequence change replaces tyrosine with cysteine at codon 630 of the NEXN protein (p.Tyr630Cys). The tyrosine residue is highly conserved and there is a large physicochemical difference between tyrosine and cysteine. In summary, the available evidence is currently insufficient to determine the role of this variant in disease. Therefore, it has been classified as a Variant of Uncertain Significance.